The following is an entry in ClinVar:

ClinVar aggregate classification (germline): Pathogenic/Likely pathogenic. Review status: criteria provided, multiple submitters, no conflicts (2 of 4 stars). 14 submissions from 14 submitters: Pathogenic (7); Likely pathogenic (2). 5 of the submissions do not count toward it. Last evaluated 2025-12-05.

Conditions:
MYH7-related disorder. Also called: MYH7-related condition; MYH7-related disease; MYH7-related disorders.
Cardiovascular phenotype. Identifiers: MedGen CN230736.
Left ventricular noncompaction 5 (LVNC5). Identifiers: MedGen C3150690, MONDO:0800351.
Dilated cardiomyopathy 1S (CMD1S). Identifiers: Orphanet 154, Orphanet 54260, MedGen C1834481, MONDO:0013262, OMIM 613426.
Left ventricular noncompaction. Identifiers: Orphanet 54260, MedGen C1960469, MONDO:0018901, HP:0030682.
Hypertrophic cardiomyopathy 1 (CMH1). Also called: MYH7-Related Familial Hypertrophic Cardiomyopathy; Familial hypertrophic cardiomyopathy 1. Identifiers: MedGen C3495498, MONDO:0008647, OMIM 192600.
Left ventricular noncompaction cardiomyopathy. Also called: left ventricular non-compaction cardiomyopathy. Identifiers: MedGen C4021133, HP:0011664.
Hypertrophic cardiomyopathy. Also called: HYPERTROPHIC MYOCARDIOPATHY. Identifiers: Orphanet 217569, MedGen C0007194, MeSH D002312, MONDO:0005045, HP:0001639.

Allele frequency attached by ClinVar (database versions not stated): gnomAD exomes below 0.00001; TOPMed below 0.00001.
gnomAD v4.1: 1 of 1,614,264 alleles (0.000062%); highest among the groups gnomAD compares: East Asian, 0.0022%; no homozygotes.

Submissions (14):

GeneDx
Classification: Pathogenic. Last evaluated: 2025-12-05. Review status: criteria provided, single submitter. Criteria: GeneDx Variant Classification Process June 2021. Collection method: clinical testing. Allele origin: germline. Affected: yes.
Comment: Reported in probands with Ebstein anomaly, including a fetus with additional features of left ventricular hypertrophy, dilation, and noncompaction (PMID: 35209905, 27788187); Not observed at significant frequency in large population cohorts (gnomAD); Predicted to cause exon skipping that would disrupt the myosin motor domain; however, in the absence of definitive functional studies, the actual effect of this sequence change is unknown; Canonical splice site variant expected to result in aberrant splicing; other splice site variants in the MYH7 gene have been reported in association with cardiomyopathy (HGMD); This variant is associated with the following publications: (PMID: 25525159, 29300372, 18506004, 21551322, 12749056, 22859017, 35209905, 27788187, 30847666, 34758253, 35877568, 33500567, 36292635, 23861362)

Ambry Genetics
Classification: Likely pathogenic for Cardiovascular phenotype. Last evaluated: 2025-10-06. Review status: criteria provided, single submitter. Criteria: Ambry Variant Classification Scheme 2023. Collection method: clinical testing. Allele origin: germline.
Comment: The c.732+1G>A intronic variant results from a G to A substitution one nucleotide after coding exon 6 of the MYH7 gene. In silico splice site analysis predicts that this alteration will weaken the native splice donor site. Alterations that disrupt the canonical splice site are expected to result in aberrant splicing. A resulting transcript is predicted to be in-frame and is not expected to trigger nonsense-mediated mRNA decay; although, direct evidence is unavailable. The exact functional effect of the altered amino acid sequence is unknown. This variant was identified in one or more individuals with features consistent with left ventricular non-compaction (LVNC) and segregated with disease in at least one family (Klaassen S et al. Circulation, 2008 Jun;117:2893-901; Hoedemaekers YM et al. Ultrasound Obstet Gynecol, 2013 Mar;41:336-9; Kelly MA et al. Genet Med, 2018 Mar;20:351-359; van Lint FHM et al. Neth Heart J, 2019 Jun;27:304-309). Based on the majority of available evidence to date, this variant is likely to be pathogenic.

Labcorp Genetics (formerly Invitae), Labcorp
Classification: Pathogenic for Hypertrophic cardiomyopathy. Last evaluated: 2025-08-26. Review status: criteria provided, single submitter. Criteria: Invitae Variant Classification Sherloc (09022015). Collection method: clinical testing. Allele origin: germline.
Comment: This sequence change affects a donor splice site in intron 8 of the MYH7 gene. It is expected to disrupt RNA splicing. Variants that disrupt the donor or acceptor splice site typically lead to a loss of protein function (PMID: 16199547), however the current clinical and genetic evidence is not sufficient to establish whether loss-of-function variants in MYH7 cause disease. The frequency data for this variant in the population databases is considered unreliable, as metrics indicate poor data quality at this position in the gnomAD database. Disruption of this splice site has been observed in individual(s) with Ebstein anomaly and left ventricular non-compaction (PMID: 18506004, 22859017, 27788187). It has also been observed to segregate with disease in related individuals. This variant is also known as c.818+1G>A. ClinVar contains an entry for this variant (Variation ID: 14127). Algorithms developed to predict the effect of sequence changes on RNA splicing suggest that this variant may disrupt the consensus splice site. For these reasons, this variant has been classified as Pathogenic.

Obstetrics Unit, Tongji Hospital, Huazhong University of Science and Technology
Classification: Pathogenic for Dilated cardiomyopathy 1S. Last evaluated: 2024-12-25. Review status: criteria provided, single submitter. Criteria: ACMG Guidelines, 2015. Collection method: clinical testing. Allele origin: de novo. Affected: yes.
Comment: MYH7:NM_000257.4:intron8:c.732+1G>A:variant:pathogenic (PS2+PPl Strong+pS4 Supporting) Strong pathogenicity evidence PS2: the variant is a biparentally validated de novo variant in a family sample; the variant is a de novo variant in a family sample; the variant is a biparentally validated de novo variant in a family sample. Strong pathogenicity evidence PP1 Strong: this variant has been reported in the literature to be co-segregating with disease in 9 affected family members in 2 family lines [pmid:18506004:21551322:23861362]. Supporting evidence of pathogenicity PS4_Supporting:The literature reports a total of multiple cases (2-5) of left ventricular densification insufficiency in which this variant has been detected in patients [pmid:18506004:21551322:23861362];. The variant was not detected in the Human Exome Database (ExAC), or the reference population Thousand Genomes (1000G), and has a frequency of 5.43656e-05 in the Population Genome Mutation Frequency Database (gnomAD);. This known variant is rated as P in the ClinVar database; this known variant is rated as DM in the HGMD database [PMID:30847666:29300372:27788187:25525159:238613621] Mutations in the gene MYH7 (0MIM:160760) cause the autosomal dominant disease Cardiomyopathydilated,1s (dilated cardiomyopathy type 1S) (OMIM:613426)

Blueprint Genetics
Classification: Likely pathogenic for MYH7-related disorders. Last evaluated: 2024-10-23. Review status: criteria provided, single submitter. Criteria: ACMG Guidelines, 2015. Collection method: clinical testing. Allele origin: germline. Affected: yes. Observed: 5 variant alleles.

Molecular Diagnostic Laboratory for Inherited Cardiovascular Disease, Montreal Heart Institute
Classification: Pathogenic for Cardiovascular phenotype. Last evaluated: 2021-08-16. Review status: criteria provided, single submitter. Criteria: ACMG Guidelines, 2015. Collection method: clinical testing. Allele origin: germline. Affected: yes.

New York Genome Center
Classification: Pathogenic for Dilated cardiomyopathy 1S. Last evaluated: 2020-01-16. Review status: criteria provided, single submitter. Criteria: NYGC Assertion Criteria 2020. Collection method: clinical testing. Allele origin: inherited. Affected: yes. Observed: 1 heterozygote. Study: CSER-NYCKidSeq. Segregation with disease observed.
Comment: The c.732+1G>A variant identified in the MYH7 gene substitutes a completely conserved Guanine for Adenine at the +1 canonical splice site in intron8/39 (+1 splice donor of exon 8). This variant is found with low frequency in gnomAD (1 heterozygote, 0 homozygotes; allele frequency: 3.98e-6), suggesting it is not a common benign variant in the populations represented in this database. This variant is reported as Pathogenic in ClinVar (VarID:14127), and has been identified in several individuals and families in the literature with left ventricular noncompaction and noncompaction cardiomyopathy [PMID: 18506004; PMID: 21551322; PMID: 22859017; PMID: 23861362]. Given its position at a canonical splice donor site, its low frequency in population databases, and presence in affected individuals and families in the literature in which it segregates with disease, the c.732+1G>A variant identified in the MYH7 gene is reported here as Pathogenic.

Laboratory for Molecular Medicine, Mass General Brigham Personalized Medicine
Classification: Pathogenic for Left ventricular noncompaction. Last evaluated: 2017-01-31. Review status: criteria provided, single submitter. Criteria: LMM Criteria. Collection method: clinical testing. Allele origin: germline. Inheritance: Autosomal dominant inheritance. Observed: 3 variant alleles.
Comment: c.732+1G>A (MYH7; NM_000257.2; Chr14g.23900793C>T; GRCh37): The c.732+1G>A (also reported as c.818+1G>A) variant in MYH7 has been reported in 3 adults and 1 inf ant with LVNC, segregated with disease in 9 affected relatives from 3 families ( Klaassen 2008, Hoedemaeker 2013, Ng 2013). It has been identified in 1/17348 Eas t Asian chromosomes by the Genome Aggregation Database (gnomAD; dbSNP rs397516266). This variant occurs in the invariant regi on (+/- 1,2) of the splice consensus sequence and is predicted to cause altered splicing leading to an abnormal or absent protein. In summary, this variant meet s criteria to be classified as pathogenic for LVNC in an autosomal dominant mann er based upon predicted impact on the protein, presence in multiple affected ind ividuals, significant segregation evidence, and an extremely low frequency in th e general population.

Biesecker Lab/Clinical Genomics Section, National Institutes of Health
Classification: Pathogenic for Cardiomyopathy, left ventricular noncompaction. Last evaluated: 2013-06-24. Review status: criteria provided, single submitter. Criteria: Ng et al. (Circ Cardiovasc Genet. 2013). Collection method: research. Allele origin: unknown. Affected: yes. Observed: 1 variant allele. Study: ClinSeq.
Comment: The study set was not selected for affection status in relation to any cancer. Pathogenicity categories were based on literature curation. See Pubmed ID:23861362 for details.

Medical sequencing

OMIM
Classification: Pathogenic for LEFT VENTRICULAR NONCOMPACTION 5. Last evaluated: 2008-06-03. Review status: no assertion criteria provided. Collection method: literature only. Allele origin: germline. Not counted in ClinVar's aggregate classification.

Clinical Genetics DNA and cytogenetics Diagnostics Lab, Erasmus MC, Erasmus Medical Center
Classification: Pathogenic. Review status: no assertion criteria provided. Collection method: clinical testing. Allele origin: germline. Affected: yes. Study: VKGL Data-share Consensus. Not counted in ClinVar's aggregate classification.

Clinical Genetics, Academic Medical Center
Classification: Pathogenic. Review status: no assertion criteria provided. Collection method: clinical testing. Allele origin: germline. Affected: yes. Study: VKGL Data-share Consensus. Not counted in ClinVar's aggregate classification.

Genomics England Pilot Project, Genomics England
Classification: Likely pathogenic for Hypertrophic cardiomyopathy 1. Review status: no assertion criteria provided. Criteria: ACGS Guidelines, 2016. Collection method: clinical testing. Allele origin: germline. Affected: yes. Not counted in ClinVar's aggregate classification.

Joint Genome Diagnostic Labs from Nijmegen and Maastricht, Radboudumc and MUMC+
Classification: Pathogenic. Review status: no assertion criteria provided. Collection method: clinical testing. Allele origin: germline. Affected: yes. Study: VKGL Data-share Consensus. Not counted in ClinVar's aggregate classification.

Literature cited by the submitters: PubMed 18506004 (cited by 5 submitters); PubMed 22859017 (cited by 4 submitters); PubMed 29300372 (cited by Ambry Genetics); PubMed 30847666 (cited by Ambry Genetics); PubMed 16199547 (cited by Labcorp Genetics (formerly Invitae), Labcorp); PubMed 27788187 (cited by Labcorp Genetics (formerly Invitae), Labcorp); PubMed 21551322 (cited by New York Genome Center and Laboratory for Molecular Medicine, Mass General Brigham Personalized Medicine); PubMed 23861362 (cited by New York Genome Center and Laboratory for Molecular Medicine, Mass General Brigham Personalized Medicine); PubMed 12749056 (cited by OMIM).

NM_000257.4(MYH7):c.732+1G>A

Gene: MYH7 (myosin heavy chain 7; minus strand). Cytogenetic location: 14q11.2.
Variant type: single nucleotide variant.
Coding change: c.732+1G>A on transcript NM_000257.4 (MANE Select); the canonical splice donor site of the intron after coding-DNA position 732, G replaced by A.
Molecular consequence: splice donor variant.
Genome position (GRCh38, 1-based): chr14:23,431,584, C>T on the plus strand (G>A on the coding strand, the complement: MYH7 is on the minus strand). VCF-style: chr14-23431584-C-T. GRCh37 (hg19) VCF-style: chr14-23900793-C-T.
Other names: IVS8DS, G-A, +1; c.732+1G>A (NM_001407004.1).
Identifiers: ClinVar variation 14127 (VCV000014127.32), dbSNP rs730880850, ClinGen allele CA016715.
Genomic context (GRCh38, chr14:23,431,584, plus strand): 5'-CATATCTGAGACCATTCCTCCACCAGTCCAAGTCCCAAGGCCAAGGTCAGGGACCACTCA[C>T]GAAGCGGGAGGAGTTGTCGTTCCGGACGGTCTTGGCATTGCCAAAGGCCTCCAGAGCAGG-3'